The following is an entry in ClinVar:

ClinVar aggregate classification (germline): Conflicting classifications of pathogenicity. Review status: criteria provided, conflicting classifications (1 of 4 stars). 6 submissions from 6 submitters: Uncertain significance (4); Likely benign (2). Last evaluated 2025-08-18.

Conditions:
Hereditary cancer-predisposing syndrome. Also called: Tumor predisposition; Hereditary Cancer Syndrome; Hereditary neoplastic syndrome; Neoplastic Syndromes, Hereditary. Identifiers: Orphanet 140162, MedGen C0027672, MeSH D009386, MONDO:0015356.
Oligodontia-cancer predisposition syndrome. Also called: TOOTH AGENESIS-COLORECTAL CANCER SYNDROME. Identifiers: Orphanet 300576, MedGen C1837750, MONDO:0012075, OMIM 608615. Disease mechanism: loss of function.

Allele frequency attached by ClinVar (database versions not stated): TOPMed 0.00002; gnomAD 0.00005 and 0.00006; ESP Exome Variant Server 0.00008; gnomAD exomes 0.00008 and 0.00010; ExAC 0.00013.
gnomAD v4.1: 60 of 1,610,738 alleles (0.0037%); highest among the groups gnomAD compares: Non-Finnish European, 0.00025%; no homozygotes.

Submissions (6):

Labcorp Genetics (formerly Invitae), Labcorp
Classification: Likely benign for Oligodontia-cancer predisposition syndrome. Last evaluated: 2025-08-18. Review status: criteria provided, single submitter. Criteria: Invitae Variant Classification Sherloc (09022015). Collection method: clinical testing. Allele origin: germline.

Ambry Genetics
Classification: Uncertain significance for Hereditary cancer-predisposing syndrome. Last evaluated: 2025-05-15. Review status: criteria provided, single submitter. Criteria: Ambry Variant Classification Scheme 2023. Collection method: clinical testing. Allele origin: germline.
Comment: The p.S81F variant (also known as c.242C>T), located in coding exon 1 of the AXIN2 gene, results from a C to T substitution at nucleotide position 242. The serine at codon 81 is replaced by phenylalanine, an amino acid with highly dissimilar properties. This amino acid position is highly conserved in available vertebrate species. In addition, this alteration is predicted to be deleterious by in silico analysis. Based on the available evidence, the clinical significance of this variant remains unclear.

Center for Genomic Medicine, Rigshospitalet, Copenhagen University Hospital
Classification: Uncertain significance. Last evaluated: 2025-03-04. Review status: criteria provided, single submitter. Criteria: ACMG Guidelines, 2015. Collection method: clinical testing. Allele origin: germline.

Blueprint Genetics
Classification: Uncertain significance. Last evaluated: 2024-11-14. Review status: criteria provided, single submitter. Criteria: ACMG Guidelines, 2015. Collection method: clinical testing. Allele origin: germline.

GeneDx
Classification: Uncertain significance. Last evaluated: 2023-03-02. Review status: criteria provided, single submitter. Criteria: GeneDx Variant Classification Process June 2021. Collection method: clinical testing. Allele origin: germline. Affected: yes.
Comment: In silico analysis supports that this missense variant has a deleterious effect on protein structure/function; Has not been previously published as pathogenic or benign to our knowledge; This variant is associated with the following publications: (PMID: 15735151)

Illumina Laboratory Services, Illumina
Classification: Likely benign for Oligodontia-cancer predisposition syndrome. Last evaluated: 2018-01-12. Review status: criteria provided, single submitter. Criteria: ICSL Variant Classification Criteria 13 December 2019. Collection method: clinical testing. Allele origin: germline.
Comment: This variant was observed in the ICSL laboratory as part of a predisposition screen in an ostensibly healthy population. It had not been previously curated by ICSL or reported in the Human Gene Mutation Database (HGMD: prior to June 1st, 2018), and was therefore a candidate for classification through an automated scoring system. Utilizing variant allele frequency, disease prevalence and penetrance estimates, and inheritance mode, an automated score was calculated to assess if this variant is too frequent to cause the disease. Based on the score and internal cut-off values, a variant classified as likely benign is not then subjected to further curation. The score for this variant resulted in a classification of likely benign for this disease.

NM_004655.4(AXIN2):c.242C>T (p.Ser81Phe)

Gene: AXIN2 (axin 2; minus strand). Cytogenetic location: 17q24.1.
Variant type: single nucleotide variant.
Coding change: c.242C>T on transcript NM_004655.4 (MANE Select); coding-DNA position 242, C replaced by T.
Protein change: p.Ser81Phe; replaces serine 81 with phenylalanine.
Molecular consequence: missense variant.
Genome position (GRCh38, 1-based): chr17:65,558,379, G>A on the plus strand (C>T on the coding strand, the complement: AXIN2 is on the minus strand). VCF-style: chr17-65558379-G-A. GRCh37 (hg19) VCF-style: chr17-63554497-G-A.
Other names: c.242C>T, p.Ser81Phe (NM_001363813.1); c.242C>T (LRG_296t1); short protein forms S81F.
Identifiers: ClinVar variation 415219 (VCV000415219.23), dbSNP rs146238336, ClinGen allele CA8719077.